The following is an entry in ClinVar:

ClinVar aggregate classification (germline): Pathogenic (1 of 4 stars; one submission).

Conditions:
Immunodeficiency 64. Also called: IMMUNODEFICIENCY 64 WITH LYMPHOPROLIFERATION. Identifiers: Orphanet 664699, MedGen C5231402, MONDO:0032803, OMIM 618534.

Submission:

Children's Medical Center, Division of Allergy and Clinical Immunology, Tehran University of Medical Sciences
Classification: Pathogenic for Immunodeficiency 64. Last evaluated: 2025-12-15. Review status: criteria provided, single submitter. Criteria: ACMG Guidelines, 2015. Collection method: clinical testing. Allele origin: germline. Inheritance: Autosomal recessive inheritance. Affected: yes.
Comment: Classification: Pathogenic ACMG Criteria Met: PVS1, PM2, PP3, PP4. Rationale: This variant (NM_005739.4:c.1720+2T>C) affects the canonical splice donor site (+2 position) of intron 14 in the RASGRP1 gene. Disruption of this highly conserved region is expected to abolish the splice donor site, resulting in aberrant splicing (e.g., exon skipping or intron retention) and loss of function (PVS1). 2.Co-occurrence: It was found in cis with the adjacent variant c.1720+1G>A. 3.Population Data: The variant is not found in gnomAD or other control databases (PM2). 4.In Silico: Computational tools consistently predict this alteration destroys the splice donor site (PP3).

NM_005739.4(RASGRP1):c.1720+2T>C

Gene: RASGRP1 (RAS guanyl releasing protein 1; minus strand). Cytogenetic location: 15q14.
Variant type: single nucleotide variant.
Coding change: c.1720+2T>C on transcript NM_005739.4 (MANE Select); the canonical splice donor site of the intron after coding-DNA position 1720, T replaced by C.
Molecular consequence: splice donor variant.
Genome position (GRCh38, 1-based): chr15:38,500,101, A>G on the plus strand (T>C on the coding strand, the complement: RASGRP1 is on the minus strand). VCF-style: chr15-38500101-A-G. GRCh37 (hg19) VCF-style: chr15-38792302-A-G.
Other names: c.1615+2T>C (NM_001306086.2, NM_001128602.2).
Identifiers: ClinVar variation 4538511 (VCV004538511.1).